The following is an entry in ClinVar:

ClinVar aggregate classification (germline): Uncertain significance. Review status: criteria provided, multiple submitters, no conflicts (2 of 4 stars). 4 submissions from 4 submitters: Uncertain significance (4). Last evaluated 2024-11-18.

Conditions:
Inborn genetic diseases. Identifiers: MedGen C0950123, MeSH D030342.

Allele frequency attached by ClinVar (database versions not stated): gnomAD 0.00003; gnomAD exomes 0.00005 and 0.00009; ExAC 0.00008.
gnomAD v4.1: 136 of 1,612,342 alleles (0.0084%); highest among the groups gnomAD compares: Non-Finnish European, 0.011%; no homozygotes.

Submissions (4):

Labcorp Genetics (formerly Invitae), Labcorp
Classification: Uncertain significance. Last evaluated: 2024-11-18. Review status: criteria provided, single submitter. Criteria: Invitae Variant Classification Sherloc (09022015). Collection method: clinical testing. Allele origin: germline.
Comment: This sequence change replaces valine, which is neutral and non-polar, with methionine, which is neutral and non-polar, at codon 1046 of the NBAS protein (p.Val1046Met). This variant is present in population databases (rs749206125, gnomAD 0.008%). This variant has not been reported in the literature in individuals affected with NBAS-related conditions. ClinVar contains an entry for this variant (Variation ID: 291096). Invitae Evidence Modeling of protein sequence and biophysical properties (such as structural, functional, and spatial information, amino acid conservation, physicochemical variation, residue mobility, and thermodynamic stability) has been performed for this missense variant. However, the output from this modeling did not meet the statistical confidence thresholds required to predict the impact of this variant on NBAS protein function. In summary, the available evidence is currently insufficient to determine the role of this variant in disease. Therefore, it has been classified as a Variant of Uncertain Significance.

Blueprint Genetics
Classification: Uncertain significance. Last evaluated: 2021-12-02. Review status: criteria provided, single submitter. Criteria: ACMG Guidelines, 2015. Collection method: clinical testing. Allele origin: germline.

Ambry Genetics
Classification: Uncertain significance for Inborn genetic diseases. Last evaluated: 2021-07-27. Review status: criteria provided, single submitter. Criteria: Ambry Variant Classification Scheme 2023. Collection method: clinical testing. Allele origin: germline.

Eurofins Ntd Llc (ga)
Classification: Uncertain significance. Last evaluated: 2016-09-02. Review status: criteria provided, single submitter. Criteria: EGL Classification Definitions 2015. Collection method: clinical testing. Allele origin: germline. Observed: 1 variant allele, 1 heterozygote.

NM_015909.4(NBAS):c.3136G>A (p.Val1046Met)

Gene: NBAS (NBAS subunit of NRZ tethering complex; minus strand). Cytogenetic location: 2p24.3.
Variant type: single nucleotide variant.
Coding change: c.3136G>A on transcript NM_015909.4 (MANE Select); coding-DNA position 3136, G replaced by A.
Protein change: p.Val1046Met; replaces valine 1046 with methionine.
Molecular consequence: missense variant. On other transcripts: non-coding transcript variant (1).
Genome position (GRCh38, 1-based): chr2:15,394,348, C>T on the plus strand (G>A on the coding strand, the complement: NBAS is on the minus strand). VCF-style: chr2-15394348-C-T. GRCh37 (hg19) VCF-style: chr2-15534472-C-T.
Other names: c.3136G>A (NM_015909.2); short protein forms V1046M.
Identifiers: ClinVar variation 291096 (VCV000291096.10), dbSNP rs749206125, ClinGen allele CA1536124.